The following is an entry in ClinVar:

ClinVar aggregate classification (germline): Pathogenic. Review status: reviewed by expert panel (3 of 4 stars). 7 submissions from 7 submitters: Pathogenic (1). 6 of the submissions do not count toward it. Last evaluated 2017-12-15.

Conditions:
Hereditary cancer-predisposing syndrome. Also called: Tumor predisposition; Hereditary Cancer Syndrome; Neoplastic Syndromes, Hereditary; Hereditary neoplastic syndrome. Identifiers: Orphanet 140162, MedGen C0027672, MeSH D009386, MONDO:0015356.
Breast-ovarian cancer, familial, susceptibility to, 1 (BROVCA1). Also called: BRCA1 Hereditary Breast and Ovarian Cancer; OVARIAN CANCER, SUSCEPTIBILITY TO. Identifiers: Orphanet 145, MedGen C2676676, MONDO:0011450, OMIM 604370. Disease mechanism: loss of function.
Hereditary breast ovarian cancer syndrome. Also called: Breast and ovarian cancer; Hereditary breast and ovarian cancer; Hereditary breast and ovarian cancer syndrome; Hereditary breast and/or ovarian cancer syndrome; BRCA1- and BRCA2-Associated Hereditary Breast and Ovarian Cancer; Hereditary breast and ovarian cancer syndrome (HBOC). Identifiers: Orphanet 145, MedGen C0677776, MeSH D061325, MONDO:0003582. Disease mechanism: loss of function.
Breast-ovarian cancer, familial, susceptibility to, 2 (BROVCA2). Also called: BRCA2 Hereditary Breast and Ovarian Cancer. Identifiers: Orphanet 145, MedGen C2675520, MONDO:0012933, OMIM 612555. Disease mechanism: loss of function.

Submissions (7):

Evidence-based Network for the Interpretation of Germline Mutant Alleles (ENIGMA)
Classification: Pathogenic for Breast-ovarian cancer, familial, susceptibility to, 2. Last evaluated: 2017-12-15. Review status: reviewed by expert panel. Criteria: ENIGMA BRCA1/2 Classification Criteria (2017-06-29). Collection method: curation. Allele origin: germline. Study: ENIGMA.
Comment: Variant allele predicted to encode a truncated non-functional protein.

GeneKor MSA
Classification: Pathogenic for Hereditary breast ovarian cancer syndrome. Last evaluated: 2025-05-15. Review status: criteria provided, single submitter. Criteria: ACMG Guidelines, 2015. Collection method: clinical testing. Allele origin: germline. Not counted in ClinVar's aggregate classification.
Comment: This variant is a deletion of 2 nucleotides in exon 11 of the BRCA2 mRNA c.(5197_5198delTC), causing a frameshift after codon 1733 and the creation of a premature translation stop signal 9 amino acid residues later p.(Ser1733Argfs*9). This is expected to result in an absent or disrupted protein product. Truncating variants in the BRCA2 gene are known to be pathogenic (PMID:20104584). This variant is not present in population databases (rs876660228).This sequence change has been reported in a family with an increasing risk of breast and ovarian cancer (PMID:29446198). ClinVar contains entries for this variant where is listed as pathogenic (VCV000233155.19). Based on the classification criteria set by the ACMG and AMP (PMID:25741868), this variant has been classified as pathogenic.

Labcorp Genetics (formerly Invitae), Labcorp
Classification: Pathogenic for Hereditary breast ovarian cancer syndrome. Last evaluated: 2023-11-11. Review status: criteria provided, single submitter. Criteria: Invitae Variant Classification Sherloc (09022015). Collection method: clinical testing. Allele origin: germline. Not counted in ClinVar's aggregate classification.
Comment: This sequence change creates a premature translational stop signal (p.Ser1733Argfs*9) in the BRCA2 gene. It is expected to result in an absent or disrupted protein product. Loss-of-function variants in BRCA2 are known to be pathogenic (PMID: 20104584). This variant is not present in population databases (gnomAD no frequency). This premature translational stop signal has been observed in individual(s) with an increasing risk of breast and ovarian cancer (PMID: 29446198). ClinVar contains an entry for this variant (Variation ID: 233155). For these reasons, this variant has been classified as Pathogenic.

Quest Diagnostics Nichols Institute San Juan Capistrano
Classification: Pathogenic. Last evaluated: 2023-01-06. Review status: criteria provided, single submitter. Criteria: Quest Diagnostics criteria. Collection method: clinical testing. Allele origin: unknown. Not counted in ClinVar's aggregate classification.
Comment: This frameshift variant alters the translational reading frame of the BRCA2 mRNA and is predicted to cause the premature termination of BRCA2 protein synthesis. This variant has not been reported in large, multi-ethnic general populations. In the published literature, the variant has been reported in individuals with a personal or family history of breast and/or ovarian cancer (PMIDs: 29907814 (2018), 29446198 (2018), and 28888541 (2017)). Based on the available information, this variant is classified as pathogenic.

Ambry Genetics
Classification: Pathogenic for Hereditary cancer-predisposing syndrome. Last evaluated: 2022-09-22. Review status: criteria provided, single submitter. Criteria: Ambry Variant Classification Scheme 2023. Collection method: clinical testing. Allele origin: germline. Not counted in ClinVar's aggregate classification.
Comment: The c.5197_5198delTC pathogenic mutation, located in coding exon 10 of the BRCA2 gene, results from a deletion of two nucleotides at nucleotide positions 5197 to 5198, causing a translational frameshift with a predicted alternate stop codon (p.S1733Rfs*9). This variant is considered to be rare based on population cohorts in the Genome Aggregation Database (gnomAD). This alteration is expected to result in loss of function by premature protein truncation or nonsense-mediated mRNA decay. As such, this alteration is interpreted as a disease-causing mutation.

Department of Molecular Diagnostics, Institute of Oncology Ljubljana
Classification: Pathogenic for Breast-ovarian cancer, familial, susceptibility to, 1. Last evaluated: 2020-04-02. Review status: criteria provided, single submitter. Criteria: ACMG Guidelines, 2015. Collection method: clinical testing. Allele origin: germline. Affected: yes. Not counted in ClinVar's aggregate classification.

GeneDx
Classification: Pathogenic. Last evaluated: 2016-11-21. Review status: criteria provided, single submitter. Criteria: GeneDx Variant Classification (06012015). Collection method: clinical testing. Allele origin: germline. Affected: yes. Not counted in ClinVar's aggregate classification.
Comment: This deletion of two nucleotides in BRCA2 is denoted c.5197_5198delTC at the cDNA level and p.Ser1733ArgfsX9 (S1733RfsX9) at the protein level. The normal sequence, with the bases that are deleted in brackets, is TCTC[delTC]CGAA. The deletion causes a frameshift which changes a Serine to an Arginine at codon 1733, and creates a premature stop codon at position 9 of the new reading frame. Although this variant has not, to our knowledge, been reported in the literature, it is predicted to cause loss of normal protein function through either protein truncation or nonsense-mediated mRNA decay. We consider this variant to be pathogenic.

Literature cited by the submitters: PubMed 20104584 (cited by GeneKor MSA and Labcorp Genetics (formerly Invitae), Labcorp); PubMed 29446198 (cited by 3 submitters); PubMed 28888541 (cited by Quest Diagnostics Nichols Institute San Juan Capistrano); PubMed 29907814 (cited by Quest Diagnostics Nichols Institute San Juan Capistrano).

NM_000059.4(BRCA2):c.5197_5198del (p.Ser1733fs)

Gene: BRCA2 (BRCA2 DNA repair associated; plus strand). Cytogenetic location: 13q13.1.
Variant type: Microsatellite.
Coding change: c.5197_5198del on transcript NM_000059.4 (MANE Select); coding-DNA positions 5197 to 5198, 2 bases deleted (TC; older notation c.5197_5198delTC).
Protein change: p.Ser1733fs; shifts the reading frame from serine 1733.
Molecular consequence: frameshift variant.
Genome position (GRCh38, 1-based): chr13:32,339,552-32,339,553, TC deleted; deleting any 2 consecutive bases within chr13:32,339,548-32,339,553 gives the same sequence; the c. name uses the placement nearest the transcript's 3' end. VCF-style (leftmost placement, unchanged base first): chr13-32339547-ATC-A. GRCh37 (hg19) VCF-style: chr13-32913684-ATC-A.
Other names: c.5197_5198delTC (NM_000059.3); short protein forms S1733fs.
Identifiers: ClinVar variation 233155 (VCV000233155.21), dbSNP rs876660228, ClinGen allele CA10579646.